The following is an entry in ClinVar:

NM_015046.7(SETX):c.1140T>G (p.Pro380=)

Gene: SETX (senataxin; minus strand). Cytogenetic location: 9q34.13.
Variant type: single nucleotide variant.
Coding change: c.1140T>G on transcript NM_015046.7 (MANE Select); coding-DNA position 1140, T replaced by G.
Protein change: p.Pro380=; no amino-acid change (proline 380 retained).
Molecular consequence: synonymous variant.
Genome position (GRCh38, 1-based): chr9:132,330,458, A>C on the plus strand (T>G on the coding strand, the complement: SETX is on the minus strand). VCF-style: chr9-132330458-A-C. GRCh37 (hg19) VCF-style: chr9-135205845-A-C.
Other names: c.1140T>G, p.Pro380= (NM_001351527.2, NM_001351528.2).
Identifiers: ClinVar variation 994060 (VCV000994060.38), dbSNP rs140553290, ClinGen allele CA5297815.

ClinVar aggregate classification (germline): Conflicting classifications of pathogenicity. Review status: criteria provided, conflicting classifications (1 of 4 stars). 5 submissions from 5 submitters: Uncertain significance (1); Likely benign (3). 1 of the submissions does not count toward it. Last evaluated 2025-06-03.

Conditions:
SETX-related disorder. Also called: SETX-related disorders; SETX-related condition. Identifiers: MedGen CN239403.
Spinocerebellar ataxia, autosomal recessive, with axonal neuropathy 2 (SCAN2). Also called: Ataxia-ocular apraxia-2; Ataxia with Oculomotor Apraxia; Ataxia with Oculomotor Apraxia Type 2; ATAXIA-OCULOMOTOR APRAXIA 2. Identifiers: Orphanet 64753, MedGen C1853761, MONDO:0018996, OMIM 606002.
Amyotrophic lateral sclerosis type 4 (ALS4). Also called: NEURONOPATHY, DISTAL HEREDITARY MOTOR, WITH PYRAMIDAL FEATURES; AMYOTROPHIC LATERAL SCLEROSIS 4, JUVENILE. Identifiers: Orphanet 357043, MedGen C1865409, MONDO:0011223, OMIM 602433.
Hereditary spastic paraplegia. Also called: Familial spastic paraparesis. Identifiers: Orphanet 685, MedGen C0037773, MONDO:0019064. Disease mechanism: loss of function.

Allele frequency attached by ClinVar (database versions not stated): ExAC 0.00002; gnomAD exomes 0.00002; gnomAD 0.00004 and 0.00007; TOPMed 0.00006; ESP Exome Variant Server 0.00008.
gnomAD v4.1: 183 of 1,613,840 alleles (0.011%); highest among the groups gnomAD compares: Non-Finnish European, 0.015%; no homozygotes.

Submissions (5):

Labcorp Genetics (formerly Invitae), Labcorp
Classification: Likely benign for Amyotrophic lateral sclerosis type 4; Spinocerebellar ataxia, autosomal recessive, with axonal neuropathy 2. Last evaluated: 2025-06-03. Review status: criteria provided, single submitter. Criteria: Invitae Variant Classification Sherloc (09022015). Collection method: clinical testing. Allele origin: germline.

CeGaT Center for Human Genetics Tuebingen
Classification: Likely benign. Last evaluated: 2024-09-01. Review status: criteria provided, single submitter. Criteria: CeGaT Center For Human Genetics Tuebingen Variant Classification Criteria Version 2. Collection method: clinical testing. Allele origin: germline. Affected: yes. Observed: 2 variant alleles.
Comment: SETX: BP4, BP7

ARUP Laboratories, Molecular Genetics and Genomics, ARUP Laboratories
Classification: Likely benign. Last evaluated: 2020-03-23. Review status: criteria provided, single submitter. Criteria: ARUP Molecular Germline Variant Investigation Process. Collection method: clinical testing. Allele origin: germline.

Genome Diagnostics Laboratory, The Hospital for Sick Children
Classification: Uncertain significance for Hereditary spastic paraplegia. Last evaluated: 2018-02-01. Review status: criteria provided, single submitter. Criteria: ACMG Guidelines, 2015. Collection method: clinical testing. Allele origin: germline. Affected: yes.

PreventionGenetics, part of Exact Sciences
Classification: Likely benign for SETX-related condition. Last evaluated: 2022-12-16. Review status: no assertion criteria provided. Collection method: clinical testing. Allele origin: germline. Not counted in ClinVar's aggregate classification.
Comment: This variant is classified as likely benign based on ACMG/AMP sequence variant interpretation guidelines (Richards et al. 2015 PMID: 25741868, with internal and published modifications).